The following is an entry in ClinVar:

NM_000535.7(PMS2):c.2075A>G (p.Asn692Ser)

Gene: PMS2 (PMS1 homolog 2, mismatch repair system component; minus strand). Cytogenetic location: 7p22.1.
Variant type: single nucleotide variant.
Coding change: c.2075A>G on transcript NM_000535.7 (MANE Select); coding-DNA position 2075, A replaced by G.
Protein change: p.Asn692Ser; replaces asparagine 692 with serine.
Molecular consequence: missense variant. On other transcripts: non-coding transcript variant (1).
Genome position (GRCh38, 1-based): chr7:5,982,923, T>C on the plus strand (A>G on the coding strand, the complement: PMS2 is on the minus strand). VCF-style: chr7-5982923-T-C. GRCh37 (hg19) VCF-style: chr7-6022554-T-C.
Other names: c.1142A>G, p.Asn381Ser (NM_001322011.2, NM_001322012.2); c.1502A>G, p.Asn501Ser (NM_001322013.2); c.2075A>G, p.Asn692Ser (NM_001322014.2); c.1766A>G, p.Asn589Ser (NM_001322015.2); c.1670A>G, p.Asn557Ser (NM_001322003.2, NM_001322004.2, NM_001322005.2 and 1 more transcripts); c.1919A>G, p.Asn640Ser (NM_001322006.2); c.1757A>G, p.Asn586Ser (NM_001322007.2, NM_001322008.2); c.1514A>G, p.Asn505Ser (NM_001322010.2); short protein forms N692S, N501S, N505S, N557S, N589S, N640S, N381S, N586S.
Identifiers: ClinVar variation 619585 (VCV000619585.7), dbSNP rs1562615666, ClinGen allele CA366738055.

ClinVar aggregate classification (germline): Conflicting classifications of pathogenicity. Review status: criteria provided, conflicting classifications (1 of 4 stars). 4 submissions from 4 submitters: Uncertain significance (3); Likely benign (1). Last evaluated 2026-03-30.

Conditions:
Mismatch repair cancer syndrome 4. Identifiers: MedGen C5436817, MONDO:0030843, OMIM 619101.
Hereditary cancer-predisposing syndrome. Also called: Hereditary neoplastic syndrome; Hereditary Cancer Syndrome; Neoplastic Syndromes, Hereditary; Tumor predisposition. Identifiers: Orphanet 140162, MedGen C0027672, MeSH D009386, MONDO:0015356.
Lynch syndrome. Identifiers: Orphanet 144, MedGen C4552100, MONDO:0005835. Disease mechanism: loss of function.

Allele frequency attached by ClinVar (database versions not stated): gnomAD exomes below 0.00001.
gnomAD v4.1: 1 of 1,593,158 alleles (0.000063%); highest among the groups gnomAD compares: East Asian, 0.0022%; no homozygotes.

Submissions (4):

Women's Health and Genetics/Laboratory Corporation of America, LabCorp
Classification: Uncertain significance. Last evaluated: 2026-03-30. Review status: criteria provided, single submitter. Criteria: LabCorp Variant Classification Summary - May 2015. Collection method: clinical testing. Allele origin: germline.
Comment: Variant summary: PMS2 c.2075A>G (p.Asn692Ser) results in a conservative amino acid change in the encoded protein sequence. Algorithms developed to predict the effect of missense changes on protein structure and function are either unavailable or do not agree on the potential impact of this missense change. The variant was absent in 217774 control chromosomes. The available data on variant occurrences in the general population are insufficient to allow any conclusion about variant significance. To our knowledge, no occurrence of c.2075A>G in individuals affected with PMS2-related conditions has been reported. At least one publication reports experimental evidence evaluating an impact on protein function which showed the variant to have in vitro MMR activity similar to wild-type (Rayner_2022). The following publication has been ascertained in the context of this evaluation (PMID: 35451539). ClinVar contains an entry for this variant (Variation ID: 619585). Based on the evidence outlined above, the variant was classified as uncertain significance.

Color Diagnostics, LLC DBA Color Health
Classification: Uncertain significance for Hereditary cancer-predisposing syndrome. Last evaluated: 2024-06-12. Review status: criteria provided, single submitter. Criteria: ACMG Guidelines, 2015. Collection method: clinical testing. Allele origin: germline.
Comment: This missense variant replaces asparagine with serine at codon 692 of the PMS2 protein. Computational prediction suggests that this variant may not impact protein structure and function (internally defined REVEL score threshold <= 0.5, PMID: 27666373). An in vitro mismatch repair activity assay has shown that this variant does not impact PMS2 function (PMID: 35451539). To our knowledge, this variant has not been reported in individuals affected with PMS2-related disorders in the literature. This variant has not been identified in the general population by the Genome Aggregation Database (gnomAD). The available evidence is insufficient to determine the role of this variant in disease conclusively. Therefore, this variant is classified as a Variant of Uncertain Significance.

Department of Pathology and Laboratory Medicine, Sinai Health System
Classification: Uncertain significance for Mismatch repair cancer syndrome 4. Last evaluated: 2024-02-13. Review status: criteria provided, single submitter. Criteria: ACMG Guidelines, 2015. Collection method: clinical testing. Allele origin: germline. Affected: yes.

University of Washington Department of Laboratory Medicine, University of Washington
Classification: Likely benign for Lynch syndrome. Last evaluated: 2018-05-01. Review status: criteria provided, single submitter. Criteria: Shirts BH et al. (Am J Hum Genet 2018). Collection method: clinical testing. Allele origin: somatic. Affected: yes.
Comment: PMS2 NM_000535.5:c.2075A>G has a 1.8% probability of pathogenicity based on combining prior probability from public data with a likelihood ratio of 0.16 to 1, generated from evidence of seeing this as a somatic mutation in a tumor with loss of heterozygosity at the PMS2 locus. See Shirts et al 2018, PMID 29887214.

Literature cited by the submitters: PubMed 35451539 (cited by Women's Health and Genetics/Laboratory Corporation of America, LabCorp and Color Diagnostics, LLC DBA Color Health); PubMed 29887214 (cited by Department of Pathology and Laboratory Medicine, Sinai Health System).